The following is an entry in ClinVar:

NM_001374353.1(GLI2):c.801G>A (p.Ser267=)

Gene: GLI2 (GLI family zinc finger 2; plus strand). Cytogenetic location: 2q14.2.
Variant type: single nucleotide variant.
Coding change: c.801G>A on transcript NM_001374353.1 (MANE Select); coding-DNA position 801, G replaced by A.
Protein change: p.Ser267=; no amino-acid change (serine 267 retained).
Molecular consequence: synonymous variant.
Genome position (GRCh38, 1-based): chr2:120,968,871, G>A. VCF-style: chr2-120968871-G-A. GRCh37 (hg19) VCF-style: chr2-121726447-G-A.
Other names: c.801G>A, p.Ser267= (NM_001371271.1, NM_005270.5); c.426G>A, p.Ser142= (NM_001374354.1).
Identifiers: ClinVar variation 259736 (VCV000259736.22), dbSNP rs2592595, ClinGen allele CA1851662.

ClinVar aggregate classification (germline): Benign. Review status: criteria provided, multiple submitters, no conflicts (2 of 4 stars). 11 submissions from 10 submitters: Benign (9). 2 of the submissions do not count toward it. Last evaluated 2026-05-08.

Conditions:
Holoprosencephaly 9 (HPE9). Also called: HOLOPROSENCEPHALY WITH MICROPHTHALMIA AND FIRST BRANCHIAL ARCH ANOMALIES; PITUITARY ANOMALIES WITH HOLOPROSENCEPHALY-LIKE FEATURES. Identifiers: Orphanet 2162, MedGen C1835819, MONDO:0012563, OMIM 610829.
Postaxial polydactyly-anterior pituitary anomalies-facial dysmorphism syndrome. Also called: Culler-Jones syndrome. Identifiers: Orphanet 420584, MedGen C4014479, MONDO:0014369, OMIM 615849.

Allele frequency attached by ClinVar (database versions not stated): ESP Exome Variant Server 0.80924; TOPMed 0.81622; 1000 Genomes Project 30x 0.81683; gnomAD 0.82634 and 0.83788; 1000 Genomes Project 0.82728; ExAC 0.94007; gnomAD exomes 0.94878.
gnomAD v4.1: 1,546,608 of 1,613,450 alleles (96%); highest among the groups gnomAD compares: East Asian, 100%; 751,378 homozygotes.

Submissions (11):

Women's Health and Genetics/Laboratory Corporation of America, LabCorp
Classification: Benign. Last evaluated: 2026-05-08. Review status: criteria provided, single submitter. Criteria: LabCorp Variant Classification Summary - May 2015. Collection method: clinical testing. Allele origin: germline.

Labcorp Genetics (formerly Invitae), Labcorp
Classification: Benign for Postaxial polydactyly-anterior pituitary anomalies-facial dysmorphism syndrome; Holoprosencephaly 9. Last evaluated: 2026-02-04. Review status: criteria provided, single submitter. Criteria: Invitae Variant Classification Sherloc (09022015). Collection method: clinical testing. Allele origin: germline.

Blueprint Genetics
Classification: Benign. Last evaluated: 2024-11-26. Review status: criteria provided, single submitter. Criteria: ACMG Guidelines, 2015. Collection method: clinical testing. Allele origin: germline.

Genome-Nilou Lab
Classification: Benign for Postaxial polydactyly-anterior pituitary anomalies-facial dysmorphism syndrome. Last evaluated: 2021-08-10. Review status: criteria provided, single submitter. Criteria: ACMG Guidelines, 2015. Collection method: clinical testing. Allele origin: germline. Affected: no.

Genome-Nilou Lab
Classification: Benign for Holoprosencephaly 9. Last evaluated: 2021-08-10. Review status: criteria provided, single submitter. Criteria: ACMG Guidelines, 2015. Collection method: clinical testing. Allele origin: germline. Affected: no.

GeneDx
Classification: Benign. Last evaluated: 2018-11-28. Review status: criteria provided, single submitter. Criteria: GeneDx Variant Classification Process June 2021. Collection method: clinical testing. Allele origin: germline. Affected: yes.

Illumina Laboratory Services, Illumina
Classification: Benign for Holoprosencephaly 9. Last evaluated: 2018-01-13. Review status: criteria provided, single submitter. Criteria: ICSL Variant Classification Criteria 13 December 2019. Collection method: clinical testing. Allele origin: germline.
Comment: This variant was observed in the ICSL laboratory as part of a predisposition screen in an ostensibly healthy population. It had not been previously curated by ICSL or reported in the Human Gene Mutation Database (HGMD: prior to June 1st, 2018), and was therefore a candidate for classification through an automated scoring system. Utilizing variant allele frequency, disease prevalence and penetrance estimates, and inheritance mode, an automated score was calculated to assess if this variant is too frequent to cause the disease. Based on the score and internal cut-off values, a variant classified as benign is not then subjected to further curation. The score for this variant resulted in a classification of benign for this disease.

Breakthrough Genomics
Classification: Benign. Review status: criteria provided, single submitter. Criteria: ACMG Guidelines, 2015. Collection method: not provided. Allele origin: germline. Inheritance: Autosomal dominant inheritance. Affected: yes.

PreventionGenetics, part of Exact Sciences
Classification: Benign. Review status: criteria provided, single submitter. Criteria: ACMG Guidelines, 2015. Collection method: clinical testing. Allele origin: germline.

Clinical Genetics, Academic Medical Center
Classification: Benign. Review status: no assertion criteria provided. Collection method: clinical testing. Allele origin: germline. Affected: yes. Study: VKGL Data-share Consensus. Not counted in ClinVar's aggregate classification.

Diagnostic Laboratory, Department of Genetics, University Medical Center Groningen
Classification: Benign. Review status: no assertion criteria provided. Collection method: clinical testing. Allele origin: germline. Affected: yes. Study: VKGL Data-share Consensus. Not counted in ClinVar's aggregate classification.